The following is an entry in ClinVar:

ClinVar aggregate classification (germline): Likely pathogenic (1 of 4 stars; one submission).

Submission:

Dasa
Classification: Likely pathogenic. Last evaluated: 2024-06-18. Review status: criteria provided, single submitter. Criteria: DASA Assertion Criteria. Collection method: clinical testing. Allele origin: germline.
Comment: NM_032638.5(GATA2):c.189del (p.Ala64Leufs*16) is a frameshift variant in GATA2 predicted to alter the reading frame and introduce a premature termination codon. Loss of function is an established disease mechanism for GATA2 (PMID: 21892158; PMID: 21670465; PMID: 22147895). Based on the currently available evidence, this variant is classified as likely pathogenic.

Literature cited by the submitters: PubMed 21892158; PubMed 21670465; PubMed 22147895.

NM_032638.5(GATA2):c.189del (p.Ala64fs)

Gene: GATA2 (GATA binding protein 2; minus strand). Cytogenetic location: 3q21.3.
Variant type: Deletion.
Coding change: c.189del on transcript NM_032638.5 (MANE Select); coding-DNA position 189, one base deleted (C; older notation c.189delC).
Protein change: p.Ala64fs; shifts the reading frame from alanine 64.
Molecular consequence: frameshift variant.
Genome position (GRCh38, 1-based): chr3:128,486,843, G deleted on the plus strand (C on the coding strand, the reverse complement: GATA2 is on the minus strand); the first of 4 consecutive G bases (chr3:128,486,843-128,486,846); deleting any one gives the same sequence. VCF-style (leftmost placement, unchanged base first): chr3-128486842-CG-C. GRCh37 (hg19) VCF-style: chr3-128205685-CG-C.
Other names: c.189del, p.Ala64fs (NM_001145661.2, NM_001145662.1); short protein forms A64fs.
Identifiers: ClinVar variation 4856825 (VCV004856825.2).
Genomic context (GRCh38, chr3:128,486,842, plus strand): 5'-CACCACGGGCCCAGTGCTCACCGTGCGCGGGGCTGTAGGAGACGCGCGCCCGCGCGTGAG[CG>C]GGGTTGGCATAGTAGGGGTTGCCCTGCGAGTCGAGGTGATTGAAGAAGACGTCCACCTCG-3'